The following is an entry in ClinVar:

NM_001349253.2(SCN11A):c.5366A>G (p.His1789Arg)

Gene: SCN11A (sodium voltage-gated channel alpha subunit 11; minus strand). Cytogenetic location: 3p22.2.
Variant type: single nucleotide variant.
Coding change: c.5366A>G on transcript NM_001349253.2 (MANE Select); coding-DNA position 5366, A replaced by G.
Protein change: p.His1789Arg; replaces histidine 1789 with arginine.
Molecular consequence: missense variant.
Genome position (GRCh38, 1-based): chr3:38,846,704, T>C on the plus strand (A>G on the coding strand, the complement: SCN11A is on the minus strand). VCF-style: chr3-38846704-T-C. GRCh37 (hg19) VCF-style: chr3-38888195-T-C.
Other names: c.5366A>G, p.His1789Arg (NM_014139.3); c.5366A>G (NM_014139.2); short protein forms H1789R.
Identifiers: ClinVar variation 2942969 (VCV002942969.4), dbSNP rs1340672114, ClinGen allele CA352158715.

ClinVar aggregate classification (germline): Uncertain significance. Review status: criteria provided, multiple submitters, no conflicts (2 of 4 stars). 2 submissions from 2 submitters: Uncertain significance (2). Last evaluated 2024-01-17.

Conditions:
Inborn genetic diseases. Identifiers: MedGen C0950123, MeSH D030342.
Hereditary sensory and autonomic neuropathy type 7. Also called: Neuropathy, hereditary sensory and autonomic, type VII; HSAN VII. Identifiers: Orphanet 391397, MedGen C3809882, MONDO:0014244, OMIM 615548.
Familial episodic pain syndrome with predominantly lower limb involvement. Also called: Episodic pain syndrome, familial, 3. Identifiers: Orphanet 391384, Orphanet 391392, MedGen C3809899, MONDO:0014247, OMIM 615552.

Allele frequency attached by ClinVar (database versions not stated): gnomAD exomes 0.00001.
gnomAD v4.1: 11 of 1,613,678 alleles (0.00068%); highest among the groups gnomAD compares: Admixed American, 0.0033%; no homozygotes.

Submissions (2):

Labcorp Genetics (formerly Invitae), Labcorp
Classification: Uncertain significance for Familial episodic pain syndrome with predominantly lower limb involvement; Hereditary sensory and autonomic neuropathy type 7. Last evaluated: 2024-01-17. Review status: criteria provided, single submitter. Criteria: Invitae Variant Classification Sherloc (09022015). Collection method: clinical testing. Allele origin: germline.
Comment: This sequence change replaces histidine, which is basic and polar, with arginine, which is basic and polar, at codon 1789 of the SCN11A protein (p.His1789Arg). This variant is present in population databases (no rsID available, gnomAD 0.0009%). This variant has not been reported in the literature in individuals affected with SCN11A-related conditions. An algorithm developed to predict the effect of missense changes on protein structure and function (PolyPhen-2) suggests that this variant is likely to be disruptive. In summary, the available evidence is currently insufficient to determine the role of this variant in disease. Therefore, it has been classified as a Variant of Uncertain Significance.

Ambry Genetics
Classification: Uncertain significance for Inborn genetic diseases. Last evaluated: 2023-12-27. Review status: criteria provided, single submitter. Criteria: Ambry Variant Classification Scheme 2023. Collection method: clinical testing. Allele origin: germline.